The following is an entry in ClinVar:

NM_000553.6(WRN):c.250G>C (p.Glu84Gln)

Gene: WRN (WRN RecQ like helicase; plus strand). Cytogenetic location: 8p12.
Variant type: single nucleotide variant.
Coding change: c.250G>C on transcript NM_000553.6 (MANE Select); coding-DNA position 250, G replaced by C.
Protein change: p.Glu84Gln; replaces glutamic acid 84 with glutamine.
Molecular consequence: missense variant.
Genome position (GRCh38, 1-based): chr8:31,064,329, G>C. VCF-style: chr8-31064329-G-C. GRCh37 (hg19) VCF-style: chr8-30921845-G-C.
Other names: short protein forms E84Q.
Identifiers: ClinVar variation 1056158 (VCV001056158.5), dbSNP rs1439455852, ClinGen allele CA370914010.

ClinVar aggregate classification (germline): Uncertain significance (1 of 4 stars; one submission).

Conditions:
Werner syndrome (WRN). Identifiers: Orphanet 902, MedGen C0043119, MONDO:0010196, OMIM 277700.

Allele frequency attached by ClinVar (database versions not stated): TOPMed below 0.00001.

Submission:

Labcorp Genetics (formerly Invitae), Labcorp
Classification: Uncertain significance for Werner syndrome. Last evaluated: 2022-12-15. Review status: criteria provided, single submitter. Criteria: Invitae Variant Classification Sherloc (09022015). Collection method: clinical testing. Allele origin: germline.
Comment: In summary, the available evidence is currently insufficient to determine the role of this variant in disease. Therefore, it has been classified as a Variant of Uncertain Significance. Algorithms developed to predict the effect of missense changes on protein structure and function are either unavailable or do not agree on the potential impact of this missense change (SIFT: "Not Available"; PolyPhen-2: "Probably Damaging"; Align-GVGD: "Not Available"). ClinVar contains an entry for this variant (Variation ID: 1056158). This variant has not been reported in the literature in individuals affected with WRN-related conditions. This variant is not present in population databases (gnomAD no frequency). This sequence change replaces glutamic acid, which is acidic and polar, with glutamine, which is neutral and polar, at codon 84 of the WRN protein (p.Glu84Gln).